The following is an entry in ClinVar:

NM_001818.5(AKR1C4):c.218G>A (p.Ser73Asn)

Gene: AKR1C4 (aldo-keto reductase family 1 member C4; plus strand). Cytogenetic location: 10p15.1.
Variant type: single nucleotide variant.
Coding change: c.218G>A on transcript NM_001818.5 (MANE Select); coding-DNA position 218, G replaced by A.
Protein change: p.Ser73Asn; replaces serine 73 with asparagine.
Molecular consequence: missense variant.
Genome position (GRCh38, 1-based): chr10:5,200,314, G>A. VCF-style: chr10-5200314-G-A. GRCh37 (hg19) VCF-style: chr10-5242277-G-A.
Other names: short protein forms S73N.
Identifiers: ClinVar variation 3107875 (VCV003107875.3), dbSNP rs142566137, ClinGen allele CA5391315.

ClinVar aggregate classification (germline): Uncertain significance. Review status: criteria provided, multiple submitters, no conflicts (2 of 4 stars). 2 submissions from 2 submitters: Uncertain significance (2). Last evaluated 2026-02-01.

Allele frequency attached by ClinVar (database versions not stated): ExAC 0.00003; TOPMed 0.00008; gnomAD 0.00009; ESP Exome Variant Server 0.00015.
gnomAD v4.1: 25 of 1,614,054 alleles (0.0015%); highest among the groups gnomAD compares: African/African-American, 0.033%; no homozygotes.

Submissions (2):

Labcorp Genetics (formerly Invitae), Labcorp
Classification: Uncertain significance. Last evaluated: 2026-02-01. Review status: criteria provided, single submitter. Criteria: Invitae Variant Classification Sherloc (09022015). Collection method: clinical testing. Allele origin: germline.
Comment: This sequence change replaces serine, which is neutral and polar, with asparagine, which is neutral and polar, at codon 73 of the AKR1C4 protein (p.Ser73Asn). This variant is present in population databases (rs142566137, gnomAD 0.04%). This variant has not been reported in the literature in individuals affected with AKR1C4-related conditions. ClinVar contains an entry for this variant (Variation ID: 3107875). An algorithm developed to predict the effect of missense changes on protein structure and function (PolyPhen-2) suggests that this variant is likely to be tolerated. In summary, the available evidence is currently insufficient to determine the role of this variant in disease. Therefore, it has been classified as a Variant of Uncertain Significance.

Ambry Genetics
Classification: Uncertain significance. Last evaluated: 2025-04-08. Review status: criteria provided, single submitter. Criteria: Ambry Variant Classification Scheme 2023. Collection method: clinical testing. Allele origin: germline.